The following is an entry in ClinVar:

NM_001438.4(ESRRG):c.1346T>G (p.Leu449Arg)

Gene: ESRRG (estrogen related receptor gamma; minus strand). Cytogenetic location: 1q41.
Variant type: single nucleotide variant.
Coding change: c.1346T>G on transcript NM_001438.4 (MANE Select); coding-DNA position 1346, T replaced by G.
Protein change: p.Leu449Arg; replaces leucine 449 with arginine.
Molecular consequence: missense variant.
Genome position (GRCh38, 1-based): chr1:216,506,970, A>C on the plus strand (T>G on the coding strand, the complement: ESRRG is on the minus strand). VCF-style: chr1-216506970-A-C. GRCh37 (hg19) VCF-style: chr1-216680312-A-C.
Other names: c.1277T>G, p.Leu426Arg (NM_001134285.3, NM_001243509.2, NM_001243510.3 and 12 more transcripts); c.593T>G, p.Leu198Arg (NM_001243505.2); c.791T>G, p.Leu264Arg (NM_001243506.2); c.1160T>G, p.Leu387Arg (NM_001243507.2); c.1382T>G, p.Leu461Arg (NM_001243518.2); short protein forms L198R, L264R, L387R, L426R, L449R, L461R.
Identifiers: ClinVar variation 4530567 (VCV004530567.1).

ClinVar aggregate classification (germline): Likely pathogenic (1 of 4 stars; one submission).

Conditions:
Movement disorder. Also called: Movement disorders; Abnormality of movement. Identifiers: MedGen C0026650, MONDO:0005395, HP:0100022.

Submission:

Institute of Human Genetics, University of Leipzig Medical Center
Classification: Likely pathogenic for Movement disorder. Last evaluated: 2025-11-14. Review status: criteria provided, single submitter. Criteria: ACMG Guidelines, 2015. Collection method: clinical testing. Allele origin: paternal. Inheritance: Autosomal dominant inheritance. Affected: yes. Observed: 2 variant alleles.
Comment: Criteria applied: PS3_SUP, PM1_SUP, PM2, PP2, PP3.

Literature cited by the submitters: DOI 10.1016/j.ajhg.2025.10.015.